The following is an entry in ClinVar:

ClinVar aggregate classification (germline): Uncertain significance. Review status: criteria provided, multiple submitters, no conflicts (2 of 4 stars). 2 submissions from 2 submitters: Uncertain significance (2). Last evaluated 2022-11-15.

Conditions:
Baraitser-Winter syndrome 1 (BRWS1). Also called: BARAITSER-WINTER SYNDROME 1, ATYPICAL; PACHYGYRIA, MENTAL RETARDATION, EPILEPSY, AND CHARACTERISTIC FACIES; MENTAL RETARDATION WITH EPILEPSY AND CHARACTERISTIC FACIES; Cerebrofrontofacial syndrome. Identifiers: Orphanet 2649, Orphanet 2995, MedGen C1855722, MONDO:0009470, OMIM 243310.

Allele frequency attached by ClinVar (database versions not stated): gnomAD exomes below 0.00001.

Submissions (2):

Labcorp Genetics (formerly Invitae), Labcorp
Classification: Uncertain significance for Baraitser-Winter syndrome 1. Last evaluated: 2022-11-15. Review status: criteria provided, single submitter. Criteria: Invitae Variant Classification Sherloc (09022015). Collection method: clinical testing. Allele origin: germline.
Comment: In summary, the available evidence is currently insufficient to determine the role of this variant in disease. Therefore, it has been classified as a Variant of Uncertain Significance. Advanced modeling of protein sequence and biophysical properties (such as structural, functional, and spatial information, amino acid conservation, physicochemical variation, residue mobility, and thermodynamic stability) performed at Invitae indicates that this missense variant is not expected to disrupt ACTB protein function. ClinVar contains an entry for this variant (Variation ID: 1710843). This variant has not been reported in the literature in individuals affected with ACTB-related conditions. This variant is not present in population databases (gnomAD no frequency). This sequence change replaces valine, which is neutral and non-polar, with isoleucine, which is neutral and non-polar, at codon 134 of the ACTB protein (p.Val134Ile).

GeneDx
Classification: Uncertain significance. Last evaluated: 2022-04-12. Review status: criteria provided, single submitter. Criteria: GeneDx Variant Classification Process June 2021. Collection method: clinical testing. Allele origin: germline. Affected: yes.
Comment: Not observed at significant frequency in large population cohorts (gnomAD); Missense variants in this gene are often considered pathogenic (HGMD); In silico analysis supports that this missense variant does not alter protein structure/function; Has not been previously published as pathogenic or benign to our knowledge

NM_001101.5(ACTB):c.400G>A (p.Val134Ile)

Gene: ACTB (actin beta; minus strand). Cytogenetic location: 7p22.1.
Variant type: single nucleotide variant.
Coding change: c.400G>A on transcript NM_001101.5 (MANE Select); coding-DNA position 400, G replaced by A.
Protein change: p.Val134Ile; replaces valine 134 with isoleucine.
Molecular consequence: missense variant.
Genome position (GRCh38, 1-based): chr7:5,528,683, C>T on the plus strand (G>A on the coding strand, the complement: ACTB is on the minus strand). VCF-style: chr7-5528683-C-T. GRCh37 (hg19) VCF-style: chr7-5568314-C-T.
Other names: short protein forms V134I.
Identifiers: ClinVar variation 1710843 (VCV001710843.7), dbSNP rs2533847979, ClinGen allele CA366703831.